The following is an entry in ClinVar:

ClinVar aggregate classification (germline): Uncertain significance (1 of 4 stars; one submission).

Conditions:
Ichthyosis linearis circumflexa. Identifiers: MedGen C0265962, MONDO:0043106, HP:0025810.

Allele frequency attached by ClinVar (database versions not stated): gnomAD 0.00001; ExAC 0.00002.

Submission:

Labcorp Genetics (formerly Invitae), Labcorp
Classification: Uncertain significance for Ichthyosis linearis circumflexa. Last evaluated: 2025-07-07. Review status: criteria provided, single submitter. Criteria: Invitae Variant Classification Sherloc (09022015). Collection method: clinical testing. Allele origin: germline.
Comment: This sequence change replaces arginine, which is basic and polar, with cysteine, which is neutral and slightly polar, at codon 729 of the SPINK5 protein (p.Arg729Cys). This variant is present in population databases (rs779491603, gnomAD 0.006%). This variant has not been reported in the literature in individuals affected with SPINK5-related conditions. ClinVar contains an entry for this variant (Variation ID: 1950233). Invitae Evidence Modeling of protein sequence and biophysical properties (such as structural, functional, and spatial information, amino acid conservation, physicochemical variation, residue mobility, and thermodynamic stability) indicates that this missense variant is not expected to disrupt SPINK5 protein function with a negative predictive value of 80%. In summary, the available evidence is currently insufficient to determine the role of this variant in disease. Therefore, it has been classified as a Variant of Uncertain Significance.

NM_006846.4(SPINK5):c.2185C>T (p.Arg729Cys)

Gene: SPINK5 (serine peptidase inhibitor Kazal type 5; plus strand). Cytogenetic location: 5q32.
Variant type: single nucleotide variant.
Coding change: c.2185C>T on transcript NM_006846.4 (MANE Select); coding-DNA position 2185, C replaced by T.
Protein change: p.Arg729Cys; replaces arginine 729 with cysteine.
Molecular consequence: missense variant.
Genome position (GRCh38, 1-based): chr5:148,118,509, C>T. VCF-style: chr5-148118509-C-T. GRCh37 (hg19) VCF-style: chr5-147498072-C-T.
Other names: c.2185C>T, p.Arg729Cys (NM_001127698.2, NM_001127699.2); short protein forms R729C.
Identifiers: ClinVar variation 1950233 (VCV001950233.3), dbSNP rs779491603, ClinGen allele CA3495889.